The following is an entry in ClinVar:

NM_001291415.2(KDM6A):c.2089A>G (p.Lys697Glu)

Gene: KDM6A (lysine demethylase 6A; plus strand). Cytogenetic location: Xp11.3.
Variant type: single nucleotide variant.
Coding change: c.2089A>G on transcript NM_001291415.2 (MANE Select); coding-DNA position 2089, A replaced by G.
Protein change: p.Lys697Glu; replaces lysine 697 with glutamic acid.
Molecular consequence: missense variant. On other transcripts: non-coding transcript variant (1).
Genome position (GRCh38, 1-based): chrX:45,069,588, A>G. VCF-style: chrX-45069588-A-G. GRCh37 (hg19) VCF-style: chrX-44928833-A-G.
Other names: c.1954A>G, p.Lys652Glu (NM_001291416.2, NM_001419811.1); c.1696A>G, p.Lys566Glu (NM_001419815.1, NM_001291418.2); c.1933A>G, p.Lys645Glu (NM_021140.4, NM_001419812.1); c.1798A>G, p.Lys600Glu (NM_001291417.2); c.1045A>G, p.Lys349Glu (NM_001291421.2); c.1831A>G, p.Lys611Glu (NM_001410742.1, NM_001419814.1); c.2089A>G, p.Lys697Glu (NM_001419809.1); c.1987A>G, p.Lys663Glu (NM_001419810.1, NM_001419813.1); short protein forms K611E, K645E, K652E, K349E, K697E, K566E, K600E, K663E.
Identifiers: ClinVar variation 2787387 (VCV002787387.3), dbSNP rs2148034165, ClinGen allele CA16040209.

ClinVar aggregate classification (germline): Uncertain significance (1 of 4 stars; one submission).

Conditions:
Kabuki syndrome 2 (KABUK2). Also called: KDM6A-Related Kabuki Syndrome. Identifiers: Orphanet 2322, MedGen C3275495, MONDO:0010465, OMIM 300867.

Submission:

Labcorp Genetics (formerly Invitae), Labcorp
Classification: Uncertain significance for Kabuki syndrome 2. Last evaluated: 2023-07-07. Review status: criteria provided, single submitter. Criteria: Invitae Variant Classification Sherloc (09022015). Collection method: clinical testing. Allele origin: germline.
Comment: This sequence change replaces lysine, which is basic and polar, with glutamic acid, which is acidic and polar, at codon 645 of the KDM6A protein (p.Lys645Glu). This variant is not present in population databases (gnomAD no frequency). This variant has not been reported in the literature in individuals affected with KDM6A-related conditions. Advanced modeling of protein sequence and biophysical properties (such as structural, functional, and spatial information, amino acid conservation, physicochemical variation, residue mobility, and thermodynamic stability) performed at Invitae indicates that this missense variant is not expected to disrupt KDM6A protein function. In summary, the available evidence is currently insufficient to determine the role of this variant in disease. Therefore, it has been classified as a Variant of Uncertain Significance.